The following is an entry in ClinVar:

ClinVar aggregate classification (germline): Uncertain significance (1 of 4 stars; one submission).

Conditions:
Combined oxidative phosphorylation defect type 17. Also called: Combined oxidative phosphorylation deficiency 17. Identifiers: Orphanet 369913, MedGen C3809526, MONDO:0014190, OMIM 615440.

Allele frequency attached by ClinVar (database versions not stated): gnomAD exomes below 0.00001.
gnomAD v4.1: 1 of 1,614,216 alleles (0.000062%); highest among the groups gnomAD compares: South Asian, 0.0011%; no homozygotes.

Submission:

Labcorp Genetics (formerly Invitae), Labcorp
Classification: Uncertain significance for Combined oxidative phosphorylation defect type 17. Last evaluated: 2021-08-02. Review status: criteria provided, single submitter. Criteria: Invitae Variant Classification Sherloc (09022015). Collection method: clinical testing. Allele origin: germline.
Comment: In summary, the available evidence is currently insufficient to determine the role of this variant in disease. Therefore, it has been classified as a Variant of Uncertain Significance. Algorithms developed to predict the effect of missense changes on protein structure and function output the following: SIFT: "Tolerated"; PolyPhen-2: "Benign"; Align-GVGD: "Class C0". The methionine amino acid residue is found in multiple mammalian species, which suggests that this missense change does not adversely affect protein function. This variant has not been reported in the literature in individuals affected with ELAC2-related conditions. This variant is not present in population databases (ExAC no frequency). This sequence change replaces valine with methionine at codon 350 of the ELAC2 protein (p.Val350Met). The valine residue is weakly conserved and there is a small physicochemical difference between valine and methionine.

NM_018127.7(ELAC2):c.1048G>A (p.Val350Met)

Gene: ELAC2 (elaC ribonuclease Z 2; minus strand). Cytogenetic location: 17p12.
Variant type: single nucleotide variant.
Coding change: c.1048G>A on transcript NM_018127.7 (MANE Select); coding-DNA position 1048, G replaced by A.
Protein change: p.Val350Met; replaces valine 350 with methionine.
Molecular consequence: missense variant.
Genome position (GRCh38, 1-based): chr17:13,003,510, C>T on the plus strand (G>A on the coding strand, the complement: ELAC2 is on the minus strand). VCF-style: chr17-13003510-C-T. GRCh37 (hg19) VCF-style: chr17-12906827-C-T.
Other names: c.928G>A, p.Val310Met (NM_001165962.2); c.1048G>A, p.Val350Met (NM_173717.2); short protein forms V310M, V350M.
Identifiers: ClinVar variation 1408767 (VCV001408767.6), dbSNP rs2143612862, ClinGen allele CA398225785.
Genomic context (GRCh38, chr17:13,003,510, plus strand): 5'-CCCAAGTGCCGCTGGGCTGGGCTCCATACCTCTCCATCCACTGCTGGTACCTGCTGTCCA[C>T]AAGCACAGATGCTGGGGCCATGTGAACCACCAAGGCCACGGGGGCATCTGCCTTTCCTTG-3'
Protein context (NP_060597.4, residues 340-360): VVHMAPASVL[Val350Met]DSRYQQWMER